The following is an entry in ClinVar:

NM_016222.4(DDX41):c.649T>C (p.Ser217Pro)

Gene: DDX41 (DEAD-box helicase 41; minus strand). Cytogenetic location: 5q35.3.
Variant type: single nucleotide variant.
Coding change: c.649T>C on transcript NM_016222.4 (MANE Select); coding-DNA position 649, T replaced by C.
Protein change: p.Ser217Pro; replaces serine 217 with proline.
Molecular consequence: missense variant.
Genome position (GRCh38, 1-based): chr5:177,515,065, A>G on the plus strand (T>C on the coding strand, the complement: DDX41 is on the minus strand). VCF-style: chr5-177515065-A-G. GRCh37 (hg19) VCF-style: chr5-176942066-A-G.
Other names: c.271T>C, p.Ser91Pro (NM_001321732.2, NM_001321830.2); c.649T>C (NM_016222.3); short protein forms S217P, S91P.
Identifiers: ClinVar variation 1188500 (VCV001188500.14), dbSNP rs376867329, ClinGen allele CA3585064.

ClinVar aggregate classification (germline): Conflicting classifications of pathogenicity. Review status: criteria provided, conflicting classifications (1 of 4 stars). 8 submissions from 8 submitters: Likely pathogenic (4); Uncertain significance (4). Last evaluated 2025-08-20.

Conditions:
DDX41-related disorder. Also called: DDX41-related condition.
DDX41-related hematologic malignancy predisposition syndrome. Also called: Myeloproliferative/lymphoproliferative neoplasms, familial (multiple types), susceptibility to; DDX41-Associated Familial Myelodysplastic Syndrome and Acute Myeloid Leukemia. Identifiers: Orphanet 488647, MedGen C4225174, MONDO:0014809, OMIM 616871.
Inborn genetic diseases. Identifiers: MedGen C0950123, MeSH D030342.

Allele frequency attached by ClinVar (database versions not stated): ExAC 0.00001; gnomAD exomes 0.00001; ESP Exome Variant Server 0.00008.
gnomAD v4.1: 20 of 1,612,596 alleles (0.0012%); highest among the groups gnomAD compares: Non-Finnish European, 0.0017%; no homozygotes.

Submissions (8):

Ambry Genetics
Classification: Uncertain significance for Inborn genetic diseases. Last evaluated: 2025-08-20. Review status: criteria provided, single submitter. Criteria: Ambry Variant Classification Scheme 2023. Collection method: clinical testing. Allele origin: germline.
Comment: The p.S217P variant (also known as c.649T>C), located in coding exon 8 of the DDX41 gene, results from a T to C substitution at nucleotide position 649. The serine at codon 217 is replaced by proline, an amino acid with similar properties. This amino acid position is well conserved in available vertebrate species. In addition, the in silico prediction for this alteration is inconclusive. Based on the available evidence, the clinical significance of this variant remains unclear.

Institute for Genomic Medicine (IGM) Clinical Laboratory, Nationwide Children's Hospital
Classification: Likely pathogenic for DDX41-related hematologic malignancy predisposition syndrome. Last evaluated: 2025-03-05. Review status: criteria provided, single submitter. Criteria: ACMG Guidelines, 2015. Collection method: clinical testing. Allele origin: germline.
Comment: This variant has been reported at an elevated frequency in affected individuals/in multiple affected individuals in the literature (ACMG/AMP: PS4_Moderate; PMIDs:37874914, 30963592, 31484648, 35443031). This variant is located in a mutational hot spot and/or critical and well-established functional domain (ACMG/AMP: PM1; PMID:37874914). This variant is absent from or present at an exceedingly low frequency in gnomAD, a large-scale control population database (ACMG/AMP: PM2).

GeneDx
Classification: Likely pathogenic. Last evaluated: 2025-03-02. Review status: criteria provided, single submitter. Criteria: GeneDx Variant Classification Process June 2021. Collection method: clinical testing. Allele origin: germline. Affected: yes.
Comment: In silico analysis supports that this missense variant has a deleterious effect on protein structure/function; Not observed at significant frequency in large population cohorts (gnomAD); This variant is associated with the following publications: (PMID: 30963592, 35671390, 31484648, 35443031, 27721487, 36672294, 37665752, 37506341, 37199125)

St. Jude Molecular Pathology, St. Jude Children's Research Hospital
Classification: Likely pathogenic for DDX41-related hematologic malignancy predisposition syndrome. Last evaluated: 2025-02-05. Review status: criteria provided, single submitter. Criteria: St. Jude Assertion Criteria 2020. Collection method: clinical testing. Allele origin: germline.
Comment: The DDX41 c.649T>C (p.Ser217Pro) missense change has a maximum subpopulation frequency of 0.002% in gnomAD v2.1.1. The in silico tool predicts a benign effect on protein function, but to our knowledge this prediction has not been confirmed by functional studies. This variant has been reported in multiple individuals with myelodysplastic syndrome and/or acute myeloid leukemia (PMID: 30963592, 31484648, 35443031, 38368440). Ã¢ € ¯In summary, this variant meets criteria to be classified as likely pathogenic.

Molecular Pathology, Peter Maccallum Cancer Centre
Classification: Likely pathogenic for DDX41-related hematologic malignancy predisposition syndrome. Last evaluated: 2024-07-25. Review status: criteria provided, single submitter. Criteria: ACMG Guidelines, 2015. Collection method: clinical testing. Allele origin: germline.

Labcorp Genetics (formerly Invitae), Labcorp
Classification: Uncertain significance. Last evaluated: 2024-03-13. Review status: criteria provided, single submitter. Criteria: Invitae Variant Classification Sherloc (09022015). Collection method: clinical testing. Allele origin: germline.
Comment: This sequence change replaces serine, which is neutral and polar, with proline, which is neutral and non-polar, at codon 217 of the DDX41 protein (p.Ser217Pro). This variant is present in population databases (rs376867329, gnomAD 0.002%). This missense change has been observed in individual(s) with leukemia (PMID: 30963592, 31484648, 35671390, 37199125). ClinVar contains an entry for this variant (Variation ID: 1188500). An algorithm developed to predict the effect of missense changes on protein structure and function (PolyPhen-2) suggests that this variant is likely to be tolerated. In summary, the available evidence is currently insufficient to determine the role of this variant in disease. Therefore, it has been classified as a Variant of Uncertain Significance.

Baylor Genetics
Classification: Uncertain significance for DDX41-related hematologic malignancy predisposition syndrome. Last evaluated: 2023-07-25. Review status: criteria provided, single submitter. Criteria: ACMG Guidelines, 2015. Collection method: clinical testing. Allele origin: unknown.

PreventionGenetics, part of Exact Sciences
Classification: Uncertain significance for DDX41-related condition. Last evaluated: 2022-11-21. Review status: criteria provided, single submitter. Criteria: ACMG Guidelines, 2015. Collection method: clinical testing. Allele origin: germline.
Comment: The DDX41 c.649T>C variant is predicted to result in the amino acid substitution p.Ser217Pro. This variant was reported in an individual with myelodysplastic syndrome with excess blasts (Patient #41 in Supplemental Table 3, Sébert et al 2019. PubMed ID 31484648). This variant has also been reported as germline along with another somatic variant in DDX41 in multiple individuals with myeloid neoplasms (Quesada et al. 2019. PubMed ID: 30963592; Li et al. 2022. PubMed ID: PMID: 35671390). This variant is reported in 0.0018% of alleles in individuals of European (Non-Finnish) descent in gnomAD and interpreted as likely pathogenic in ClinVar. Although we suspect that this variant may be pathogenic, at this time, the clinical significance of this variant is uncertain due to the absence of conclusive functional and genetic evidence.

Literature cited by the submitters: PubMed 37874914 (cited by Institute for Genomic Medicine (IGM) Clinical Laboratory, Nationwide Children's Hospital); PubMed 30963592 (cited by Institute for Genomic Medicine (IGM) Clinical Laboratory, Nationwide Children's Hospital and Labcorp Genetics (formerly Invitae), Labcorp); PubMed 31484648 (cited by Institute for Genomic Medicine (IGM) Clinical Laboratory, Nationwide Children's Hospital and Labcorp Genetics (formerly Invitae), Labcorp); PubMed 35443031 (cited by Institute for Genomic Medicine (IGM) Clinical Laboratory, Nationwide Children's Hospital); PubMed 35671390 (cited by Labcorp Genetics (formerly Invitae), Labcorp); PubMed 37199125 (cited by Labcorp Genetics (formerly Invitae), Labcorp).